The following is an entry in ClinVar:

NM_000038.6(APC):c.8502T>G (p.His2834Gln)

Gene: APC (APC regulator of Wnt signaling pathway; plus strand). Cytogenetic location: 5q22.2.
Variant type: single nucleotide variant.
Coding change: c.8502T>G on transcript NM_000038.6 (MANE Select); coding-DNA position 8502, T replaced by G.
Protein change: p.His2834Gln; replaces histidine 2834 with glutamine.
Molecular consequence: missense variant.
Genome position (GRCh38, 1-based): chr5:112,844,096, T>G. VCF-style: chr5-112844096-T-G. GRCh37 (hg19) VCF-style: chr5-112179793-T-G.
Other names: c.8502T>G, p.His2834Gln (NM_001127510.3, NM_001354895.2); c.8448T>G, p.His2816Gln (NM_001127511.3); c.8556T>G, p.His2852Gln (NM_001354896.2); c.8532T>G, p.His2844Gln (NM_001354897.2); c.8427T>G, p.His2809Gln (NM_001354898.2); c.8418T>G, p.His2806Gln (NM_001354899.2); c.8379T>G, p.His2793Gln (NM_001354900.2); c.8325T>G, p.His2775Gln (NM_001354901.2); and 5 more; short protein forms H2708Q, H2809Q, H2674Q, H2743Q, H2775Q, H2793Q, H2806Q, H2834Q.
Identifiers: ClinVar variation 927727 (VCV000927727.5), dbSNP rs1766764133, ClinGen allele CA16039775.
Genomic context (GRCh38, chr5:112,844,096, plus strand): 5'-GAAGCGAGATTCCAAAACTGACAGCACAGAATCCAGTGGAACCCAAAGTCCTAAGCGCCA[T>G]TCTGGGTCTTACCTTGTGACATCTGTTTAAAAGAGAGGAAGAATGAAACTAAGAAAATTC-3'
Protein context (NP_000029.2, residues 2824-2843): ESSGTQSPKR[His2834Gln]SGSYLVTSV

ClinVar aggregate classification (germline): Uncertain significance. Review status: criteria provided, multiple submitters, no conflicts (2 of 4 stars). 2 submissions from 2 submitters: Uncertain significance (2). Last evaluated 2024-12-20.

Conditions:
Hereditary cancer-predisposing syndrome. Also called: Neoplastic Syndromes, Hereditary; Hereditary Cancer Syndrome; Tumor predisposition; Hereditary neoplastic syndrome. Identifiers: Orphanet 140162, MedGen C0027672, MeSH D009386, MONDO:0015356.

Submissions (2):

Ambry Genetics
Classification: Uncertain significance for Hereditary cancer-predisposing syndrome. Last evaluated: 2024-12-20. Review status: criteria provided, single submitter. Criteria: Ambry Variant Classification Scheme 2023. Collection method: clinical testing. Allele origin: germline.
Comment: The p.H2834Q variant (also known as c.8502T>G), located in coding exon 15 of the APC gene, results from a T to G substitution at nucleotide position 8502. The histidine at codon 2834 is replaced by glutamine, an amino acid with highly similar properties. This amino acid position is conserved. In addition, in silico predictors for this gene do not accurately predict pathogenicity. Based on the available evidence, the clinical significance of this variant remains unclear.

Color Diagnostics, LLC DBA Color Health
Classification: Uncertain significance for Hereditary cancer-predisposing syndrome. Last evaluated: 2023-12-04. Review status: criteria provided, single submitter. Criteria: ACMG Guidelines, 2015. Collection method: clinical testing. Allele origin: germline.
Comment: This missense variant replaces histidine with glutamine at codon 2834 of the APC protein. Computational prediction is inconclusive regarding the impact of this variant on protein structure and function (internally defined REVEL score threshold 0.5 < inconclusive < 0.7, PMID: 27666373). To our knowledge, functional studies have not been reported for this variant. This variant has not been reported in individuals affected with APC-related disorders in the literature. This variant has not been identified in the general population by the Genome Aggregation Database (gnomAD). The available evidence is insufficient to determine the role of this variant in disease conclusively. Therefore, this variant is classified as a Variant of Uncertain Significance.